The following is an entry in ClinVar:

ClinVar aggregate classification (germline): Uncertain significance. Review status: criteria provided, multiple submitters, no conflicts (2 of 4 stars). 3 submissions from 3 submitters: Uncertain significance (3). Last evaluated 2024-05-14.

Conditions:
Charcot-Marie-Tooth Neuropathy X. Identifiers: MedGen CN118851.

Submissions (8):

GeneDx
Classification: Uncertain significance. Last evaluated: 2024-05-14. Review status: criteria provided, single submitter. Criteria: GeneDx Variant Classification Process June 2021. Collection method: clinical testing. Allele origin: germline. Affected: yes.
Comment: Not observed at significant frequency in large population cohorts (gnomAD); In silico analysis supports that this missense variant has a deleterious effect on protein structure/function; Has not been previously published as pathogenic or benign to our knowledge

Labcorp Genetics (formerly Invitae), Labcorp
Classification: Uncertain significance for Charcot-Marie-Tooth Neuropathy X. Last evaluated: 2022-12-12. Review status: criteria provided, single submitter. Criteria: Invitae Variant Classification Sherloc (09022015). Collection method: clinical testing. Allele origin: germline.
Comment: In summary, the available evidence is currently insufficient to determine the role of this variant in disease. Therefore, it has been classified as a Variant of Uncertain Significance. Advanced modeling of protein sequence and biophysical properties (such as structural, functional, and spatial information, amino acid conservation, physicochemical variation, residue mobility, and thermodynamic stability) performed at Invitae indicates that this missense variant is not expected to disrupt PRPS1 protein function. This variant has not been reported in the literature in individuals affected with PRPS1-related conditions. This variant is not present in population databases (gnomAD no frequency). This sequence change replaces alanine, which is neutral and non-polar, with threonine, which is neutral and polar, at codon 216 of the PRPS1 protein (p.Ala216Thr).

Blueprint Genetics
Classification: Uncertain significance. Last evaluated: 2018-10-11. Review status: criteria provided, single submitter. Criteria: ACMG Guidelines, 2015. Collection method: clinical testing. Allele origin: germline.

Dr. Peter K. Rogan Lab, Western University
No classification provided (evidence only). Condition: Thyroid cancer, nonmedullary, 1. Review status: no classification provided. Collection method: in vitro. Allele origin: not applicable. Functional consequence: retained intron. Not counted in ClinVar's aggregate classification.

Dr. Peter K. Rogan Lab, Western University
No classification provided (evidence only). Condition: Thyroid cancer, nonmedullary, 1. Review status: no classification provided. Collection method: in vitro. Allele origin: not applicable. Functional consequence: retained intron. Not counted in ClinVar's aggregate classification.

Dr. Peter K. Rogan Lab, Western University
No classification provided (evidence only). Condition: Thyroid cancer, nonmedullary, 1. Review status: no classification provided. Collection method: in vitro. Allele origin: not applicable. Functional consequence: retained intron. Not counted in ClinVar's aggregate classification.

Dr. Peter K. Rogan Lab, Western University
No classification provided (evidence only). Condition: Thyroid cancer, nonmedullary, 1. Review status: no classification provided. Collection method: in vitro. Allele origin: not applicable. Functional consequence: retained intron. Not counted in ClinVar's aggregate classification.

Dr. Peter K. Rogan Lab, Western University
No classification provided (evidence only). Condition: Thyroid cancer, nonmedullary, 1. Review status: no classification provided. Collection method: in vitro. Allele origin: not applicable. Functional consequence: retained intron. Not counted in ClinVar's aggregate classification.

NM_002764.4(PRPS1):c.646G>A (p.Ala216Thr)

Gene: PRPS1 (phosphoribosyl pyrophosphate synthetase 1; plus strand). Cytogenetic location: Xq22.3.
Variant type: single nucleotide variant.
Coding change: c.646G>A on transcript NM_002764.4 (MANE Select); coding-DNA position 646, G replaced by A.
Protein change: p.Ala216Thr; replaces alanine 216 with threonine.
Molecular consequence: missense variant.
Genome position (GRCh38, 1-based): chrX:107,645,292, G>A. VCF-style: chrX-107645292-G-A. GRCh37 (hg19) VCF-style: chrX-106888522-G-A.
Other names: c.34G>A, p.Ala12Thr (NM_001204402.2); short protein forms A216T, A12T.
Identifiers: ClinVar variation 2819014 (VCV002819014.6), dbSNP rs2521346005, ClinGen allele CA413812346.